The following is an entry in ClinVar:

ClinVar aggregate classification (germline): Likely pathogenic. Review status: criteria provided, single submitter (1 of 4 stars). 2 submissions from 2 submitters: Likely pathogenic (1). 1 of the submissions does not count toward it. Last evaluated 2024-10-04.

Conditions:
Retinitis pigmentosa 75 (RP75). Identifiers: Orphanet 791, MedGen C4310759, MONDO:0014871, OMIM 617023.
Autosomal recessive retinitis pigmentosa. Identifiers: MedGen C0339526.

Submissions (2):

Dubai Health Genomic Medicine Center, Dubai Health
Classification: Likely pathogenic for Retinitis pigmentosa 75. Last evaluated: 2024-10-04. Review status: criteria provided, single submitter. Criteria: ACMG Guidelines, 2015. Collection method: research. Allele origin: germline. Affected: yes.
Comment: PVS1,PM2

Faculty of Health Sciences, Beirut Arab University
Classification: Pathogenic for Autosomal recessive Retinitis Pigmentosa. Last evaluated: 2019-11-08. Review status: no assertion criteria provided. Collection method: literature only. Allele origin: germline. Affected: yes. Observed: 1 variant allele. Not counted in ClinVar's aggregate classification.

Literature cited by the submitters: PubMed 31725702 (cited by Faculty of Health Sciences, Beirut Arab University).

NM_021831.6(AGBL5):c.1255dup (p.Thr419fs)

Gene: AGBL5 (AGBL carboxypeptidase 5; plus strand). Cytogenetic location: 2p23.3.
Variant type: Duplication.
Coding change: c.1255dup on transcript NM_021831.6 (MANE Select); coding-DNA position 1255, one base duplicated (A; older notation c.1255dupA).
Protein change: p.Thr419fs; shifts the reading frame from threonine 419.
Molecular consequence: frameshift variant. On other transcripts: non-coding transcript variant (2).
Genome position (GRCh38, 1-based): chr2:27,056,028, A duplicated. VCF-style (leftmost placement, unchanged base first): chr2-27056027-T-TA. GRCh37 (hg19) VCF-style: chr2-27278895-T-TA.
Other names: c.1255dup, p.Thr419fs (NM_001035507.3); short protein forms T419fs.
Identifiers: ClinVar variation 978985 (VCV000978985.2), dbSNP rs1668413357, ClinGen allele CA1139656803.